The following is an entry in ClinVar:

ClinVar aggregate classification (germline): Pathogenic (1 of 4 stars; one submission).

Conditions:
Warsaw breakage syndrome (WABS). Also called: DDX11-Related Cohesinopathy. Identifiers: Orphanet 280558, MedGen C3150658, MONDO:0013252, OMIM 613398.

Allele frequency attached by ClinVar (database versions not stated): gnomAD exomes below 0.00001.
gnomAD v4.1: 1 of 1,613,930 alleles (0.000062%); no homozygotes.

Submission:

Baylor Genetics
Classification: Pathogenic for Warsaw breakage syndrome. Last evaluated: 2018-08-16. Review status: criteria provided, single submitter. Criteria: ACMG Guidelines, 2015. Collection method: clinical testing. Allele origin: unknown. Affected: yes.
Comment: This variant was determined to be pathogenic according to ACMG Guidelines, 2015 [PMID:25741868].

NM_030653.4(DDX11):c.2373-2A>G

Gene: DDX11 (DEAD/H-box helicase 11; plus strand). Cytogenetic location: 12p11.21.
Variant type: single nucleotide variant.
Coding change: c.2373-2A>G on transcript NM_030653.4 (MANE Select); the canonical splice acceptor site of the intron before coding-DNA position 2373, A replaced by G.
Molecular consequence: splice acceptor variant.
Genome position (GRCh38, 1-based): chr12:31,102,934, A>G. VCF-style: chr12-31102934-A-G. GRCh37 (hg19) VCF-style: chr12-31255868-A-G.
Other names: c.2373-2A>G (NM_001413693.1, NM_152438.2, NM_001413692.1 and 4 more transcripts); c.1512-2A>G (NM_001413705.1, NM_001413704.1); c.2223-2A>G (NM_004399.3); c.1407-2A>G (NM_001413706.1); c.2286-2A>G (NM_001413700.1); c.1845-2A>G (NM_001413702.1, NM_001413703.1); c.2295-2A>G (NM_001413697.1, NM_001413699.1, NM_001257145.2 and 1 more transcripts).
Identifiers: ClinVar variation 1032230 (VCV001032230.1), dbSNP rs1946656233, ClinGen allele CA384249074.